The following is an entry in ClinVar:

NM_002474.3(MYH11):c.3805A>G (p.Ser1269Gly)

Gene: MYH11 (myosin heavy chain 11; minus strand). Cytogenetic location: 16p13.11.
Variant type: single nucleotide variant.
Coding change: c.3805A>G on transcript NM_002474.3 (MANE Select); coding-DNA position 3805, A replaced by G.
Protein change: p.Ser1269Gly; replaces serine 1269 with glycine.
Molecular consequence: missense variant.
Genome position (GRCh38, 1-based): chr16:15,726,901, T>C on the plus strand (A>G on the coding strand, the complement: MYH11 is on the minus strand). VCF-style: chr16-15726901-T-C. GRCh37 (hg19) VCF-style: chr16-15820758-T-C.
Other names: c.3826A>G, p.Ser1276Gly (NM_001040113.2, NM_001040114.2); c.3805A>G, p.Ser1269Gly (NM_022844.3); short protein forms S1276G, S1269G.
Identifiers: ClinVar variation 629488 (VCV000629488.20), dbSNP rs200012419, ClinGen allele CA7921888.

ClinVar aggregate classification (germline): Conflicting classifications of pathogenicity. Review status: criteria provided, conflicting classifications (1 of 4 stars). 6 submissions from 6 submitters: Uncertain significance (2); Likely benign (4). Last evaluated 2024-11-07.

Conditions:
Familial thoracic aortic aneurysm and aortic dissection (TAAD). Also called: Thoracic aortic aneurysms and dissections. Identifiers: Orphanet 91387, MedGen C4707243, MONDO:0019625.
Aortic aneurysm, familial thoracic 4 (AAT4). Also called: AORTIC ANEURYSM/AORTIC DISSECTION AND PATENT DUCTUS ARTERIOSUS. Identifiers: MedGen C1851504, MONDO:0007568, OMIM 132900.

Allele frequency attached by ClinVar (database versions not stated): gnomAD below 0.00001 and 0.00003; ExAC 0.00005; gnomAD exomes 0.00005 and 0.00007.
gnomAD v4.1: 72 of 1,612,772 alleles (0.0045%); highest among the groups gnomAD compares: South Asian, 0.068%; no homozygotes.

Submissions (6):

Labcorp Genetics (formerly Invitae), Labcorp
Classification: Likely benign for Aortic aneurysm, familial thoracic 4. Last evaluated: 2024-11-07. Review status: criteria provided, single submitter. Criteria: Invitae Variant Classification Sherloc (09022015). Collection method: clinical testing. Allele origin: germline.

Ambry Genetics
Classification: Likely benign for Familial thoracic aortic aneurysm and aortic dissection. Last evaluated: 2024-09-13. Review status: criteria provided, single submitter. Criteria: Ambry Variant Classification Scheme 2023. Collection method: clinical testing. Allele origin: germline.

Color Diagnostics, LLC DBA Color Health
Classification: Likely benign for Familial thoracic aortic aneurysm and aortic dissection. Last evaluated: 2021-07-28. Review status: criteria provided, single submitter. Criteria: ACMG Guidelines, 2015. Collection method: clinical testing. Allele origin: germline.

CHEO Genetics Diagnostic Laboratory, Children's Hospital of Eastern Ontario
Classification: Likely benign for Familial thoracic aortic aneurysm and aortic dissection. Last evaluated: 2021-05-17. Review status: criteria provided, single submitter. Criteria: ACMG Guidelines, 2015. Collection method: clinical testing. Allele origin: germline.

ARUP Laboratories, Molecular Genetics and Genomics, ARUP Laboratories
Classification: Uncertain significance. Last evaluated: 2020-11-10. Review status: criteria provided, single submitter. Criteria: ARUP Molecular Germline Variant Investigation Process 2021. Collection method: clinical testing. Allele origin: germline.
Comment: The MYH11 c.3805A>G, p.Ser1269Gly variant (rs200012419), to our knowledge, is not reported in the medical literature but is reported in ClinVar (Variation ID: 629488). This variant is found in the South Asian population with an allele frequency of 0.056% (17/30,616 alleles) in the Genome Aggregation Database. The serine at codon 1269 is moderately conserved, and computational analyses are uncertain whether this variant is neutral or deleterious (REVEL: 0.256). Due to limited information, the clinical significance of this variant is uncertain at this time.

GeneDx
Classification: Uncertain significance. Last evaluated: 2020-01-02. Review status: criteria provided, single submitter. Criteria: GeneDx Variant Classification Process June 2021. Collection method: clinical testing. Allele origin: germline. Affected: yes.
Comment: Has not been previously published as pathogenic or benign to our knowledge; Reported in ClinVar as a variant of uncertain significance (ClinVar Variant ID# 629488; Landrum et al., 2016); In silico analysis, which includes protein predictors and evolutionary conservation, supports that this variant does not alter protein structure/function